The following is an entry in ClinVar:

NM_005359.6(SMAD4):c.1448-2A>G

Gene: SMAD4 (SMAD family member 4; plus strand). Cytogenetic location: 18q21.2.
Variant type: single nucleotide variant.
Coding change: c.1448-2A>G on transcript NM_005359.6 (MANE Select); the canonical splice acceptor site of the intron before coding-DNA position 1448, A replaced by G.
Molecular consequence: splice acceptor variant.
Genome position (GRCh38, 1-based): chr18:51,078,254, A>G. VCF-style: chr18-51078254-A-G. GRCh37 (hg19) VCF-style: chr18-48604624-A-G.
Other names: c.1448-2A>G (NM_001407042.1, NM_001407041.1).
Identifiers: ClinVar variation 2009634 (VCV002009634.4), dbSNP rs2144477911, ClinGen allele CA402465611.

ClinVar aggregate classification (germline): Uncertain significance (1 of 4 stars; one submission).

Conditions:
Juvenile polyposis syndrome (JPS). Identifiers: Orphanet 2929, MedGen C0345893, MONDO:0017380, OMIM 174900.

Submission:

Labcorp Genetics (formerly Invitae), Labcorp
Classification: Uncertain significance for Juvenile polyposis syndrome. Last evaluated: 2022-06-23. Review status: criteria provided, single submitter. Criteria: Invitae Variant Classification Sherloc (09022015). Collection method: clinical testing. Allele origin: germline.
Comment: In summary, the available evidence is currently insufficient to determine the role of this variant in disease. Therefore, it has been classified as a Variant of Uncertain Significance. Variants that disrupt the consensus splice site are a relatively common cause of aberrant splicing (PMID: 17576681, 9536098). Algorithms developed to predict the effect of sequence changes on RNA splicing suggest that this variant may disrupt the consensus splice site. This variant has not been reported in the literature in individuals affected with SMAD4-related conditions. This variant is not present in population databases (gnomAD no frequency). This sequence change affects an acceptor splice site in intron 11 of the SMAD4 gene. While this variant is not anticipated to result in nonsense mediated decay, it likely alters RNA splicing and results in a disrupted protein product.

Literature cited by the submitters: PubMed 17576681; PubMed 9536098.